The following is an entry in ClinVar:

ClinVar aggregate classification (germline): Uncertain significance (1 of 4 stars; one submission).

Conditions:
Malignant hyperthermia, susceptibility to, 1 (MHS1). Also called: RYR1-Related Malignant Hyperthermia Susceptibility; Malignant hyperthermia suceptibility 1; Anesthesia related hyperthermia; Malignant hyperpyrexia; Fulminating hyperpyrexia; Pharmacogenic myopathy. Identifiers: Orphanet 423, MedGen C2930980, MONDO:0007783, OMIM 145600.

Submission:

Color Diagnostics, LLC DBA Color Health
Classification: Uncertain significance for Malignant hyperthermia, susceptibility to, 1. Last evaluated: 2025-06-23. Review status: criteria provided, single submitter. Criteria: ACMG Guidelines, 2015. Collection method: clinical testing. Allele origin: germline.
Comment: This missense variant replaces aspartic acid with asparagine at codon 1856 of the RYR1 protein. Computational prediction suggests that this variant may not impact protein structure and function. To our knowledge, functional studies have not been reported for this variant. This variant has not been reported in individuals affected with RYR1-related disorders in the literature. This variant has been identified in 1/248946 chromosomes in the general population by the Genome Aggregation Database (gnomAD). The available evidence is insufficient to determine the role of this variant in disease conclusively. Therefore, this variant is classified as a Variant of Uncertain Significance.

NM_000540.3(RYR1):c.5566G>A (p.Asp1856Asn)

Gene: RYR1 (ryanodine receptor 1; plus strand). Cytogenetic location: 19q13.2.
Variant type: single nucleotide variant.
Coding change: c.5566G>A on transcript NM_000540.3 (MANE Select); coding-DNA position 5566, G replaced by A.
Protein change: p.Asp1856Asn; replaces aspartic acid 1856 with asparagine.
Molecular consequence: missense variant.
Genome position (GRCh38, 1-based): chr19:38,489,195, G>A. VCF-style: chr19-38489195-G-A. GRCh37 (hg19) VCF-style: chr19-38979835-G-A.
Other names: c.5566G>A, p.Asp1856Asn (NM_001042723.2); short protein forms D1856N.
Identifiers: ClinVar variation 4757314 (VCV004757314.1).